The following is an entry in ClinVar:

ClinVar aggregate classification (germline): Uncertain significance (1 of 4 stars; one submission).

Submission:

Labcorp Genetics (formerly Invitae), Labcorp
Classification: Uncertain significance. Last evaluated: 2025-08-29. Review status: criteria provided, single submitter. Criteria: Invitae Variant Classification Sherloc (09022015). Collection method: clinical testing. Allele origin: germline.
Comment: This sequence change affects a donor splice site in intron 38 of the MTOR gene. It is expected to disrupt RNA splicing. Variants that disrupt the donor or acceptor splice site typically lead to a loss of protein function (PMID: 16199547), however the current clinical and genetic evidence is not sufficient to establish whether loss-of-function variants in MTOR cause disease. This variant is not present in population databases (gnomAD no frequency). This variant has not been reported in the literature in individuals affected with MTOR-related conditions. Algorithms developed to predict the effect of sequence changes on RNA splicing suggest that this variant may disrupt the consensus splice site. In summary, the available evidence is currently insufficient to determine the role of this variant in disease. Therefore, it has been classified as a Variant of Uncertain Significance.

Literature cited by the submitters: PubMed 16199547.

NM_004958.4(MTOR):c.5364+1G>A

Gene: MTOR (mechanistic target of rapamycin kinase; minus strand). Cytogenetic location: 1p36.22.
Variant type: single nucleotide variant.
Coding change: c.5364+1G>A on transcript NM_004958.4 (MANE Select); the canonical splice donor site of the intron after coding-DNA position 5364, G replaced by A.
Molecular consequence: splice donor variant.
Genome position (GRCh38, 1-based): chr1:11,133,079, C>T on the plus strand (G>A on the coding strand, the complement: MTOR is on the minus strand). VCF-style: chr1-11133079-C-T. GRCh37 (hg19) VCF-style: chr1-11193136-C-T.
Other names: c.4116+1G>A (NM_001386501.1); c.5364+1G>A (NM_001386500.1).
Identifiers: ClinVar variation 4775122 (VCV004775122.1).